The following is an entry in ClinVar:

NM_000256.3(MYBPC3):c.1483C>A (p.Arg495=)

Gene: MYBPC3 (myosin binding protein C3; minus strand). Cytogenetic location: 11p11.2.
Variant type: single nucleotide variant.
Coding change: c.1483C>A on transcript NM_000256.3 (MANE Select); coding-DNA position 1483, C replaced by A.
Protein change: p.Arg495=; no amino-acid change (arginine 495 retained).
Molecular consequence: synonymous variant.
Genome position (GRCh38, 1-based): chr11:47,342,719, G>T on the plus strand (C>A on the coding strand, the complement: MYBPC3 is on the minus strand). VCF-style: chr11-47342719-G-T. GRCh37 (hg19) VCF-style: chr11-47364270-G-T.
Identifiers: ClinVar variation 2167537 (VCV002167537.6), dbSNP rs397515905, ClinGen allele CA078136.

ClinVar aggregate classification (germline): Likely benign. Review status: criteria provided, multiple submitters, no conflicts (2 of 4 stars). 3 submissions from 3 submitters: Likely benign (3). Last evaluated 2025-12-22.

Conditions:
Cardiovascular phenotype. Identifiers: MedGen CN230736.
Hypertrophic cardiomyopathy. Also called: HYPERTROPHIC MYOCARDIOPATHY. Identifiers: Orphanet 217569, MedGen C0007194, MeSH D002312, MONDO:0005045, HP:0001639.

Allele frequency attached by ClinVar (database versions not stated): ExAC 0.00002.
gnomAD v4.1: 3 of 1,613,880 alleles (0.00019%); highest among the groups gnomAD compares: Admixed American, 0.005%; no homozygotes.

Submissions (3):

Labcorp Genetics (formerly Invitae), Labcorp
Classification: Likely benign for Hypertrophic cardiomyopathy. Last evaluated: 2025-12-22. Review status: criteria provided, single submitter. Criteria: Invitae Variant Classification Sherloc (09022015). Collection method: clinical testing. Allele origin: germline.

Ambry Genetics
Classification: Likely benign for Cardiovascular phenotype. Last evaluated: 2025-09-21. Review status: criteria provided, single submitter. Criteria: Ambry Variant Classification Scheme 2023. Collection method: clinical testing. Allele origin: germline.

All of Us Research Program, National Institutes of Health
Classification: Likely benign for Hypertrophic cardiomyopathy. Last evaluated: 2024-01-04. Review status: criteria provided, single submitter. Criteria: ACMG Guidelines, 2015. Collection method: clinical testing. Allele origin: germline. Inheritance: Autosomal dominant inheritance. Observed: 2 variant alleles, 2 heterozygotes.
Comment: This study involves interpretation of variants in research participants for the purpose of population health screening. Participant phenotype was not available at the time of variant classification. Additional details can be found in publication PMID: 35346344, PMCID: PMC8962531